The following is an entry in ClinVar:

NM_021625.5(TRPV4):c.1729G>A (p.Val577Met)

Gene: TRPV4 (transient receptor potential cation channel subfamily V member 4; minus strand). Cytogenetic location: 12q24.11.
Variant type: single nucleotide variant.
Coding change: c.1729G>A on transcript NM_021625.5 (MANE Select); coding-DNA position 1729, G replaced by A.
Protein change: p.Val577Met; replaces valine 577 with methionine.
Molecular consequence: missense variant.
Genome position (GRCh38, 1-based): chr12:109,792,747, C>T on the plus strand (G>A on the coding strand, the complement: TRPV4 is on the minus strand). VCF-style: chr12-109792747-C-T. GRCh37 (hg19) VCF-style: chr12-110230552-C-T.
Other names: c.1588G>A, p.Val530Met (NM_001177428.2); c.1627G>A, p.Val543Met (NM_001177431.2); c.1408G>A, p.Val470Met (NM_001177433.2); c.1549G>A, p.Val517Met (NM_147204.3); short protein forms V577M, V470M, V517M, V543M, V530M.
Identifiers: ClinVar variation 582636 (VCV000582636.21), dbSNP rs140535889, ClinGen allele CA6780108.
Genomic context (GRCh38, chr12:109,792,747, plus strand): 5'-TCAGCCCACGGGTGAAGTAAAGGGCATTCATCCAGCCCAGGACCAGGGCAAAGACCATCA[C>T]GGCCAGGTAGGCCTCGATCCCTGCCAGGTAGAGGGCTGCTGAGACGATCACCAGGACAGA-3'
Protein context (NP_067638.3, residues 567-587): YLAGIEAYLA[Val577Met]MVFALVLGWM

ClinVar aggregate classification (germline): Conflicting classifications of pathogenicity. Review status: criteria provided, conflicting classifications (1 of 4 stars). 11 submissions from 6 submitters: Uncertain significance (2); Benign (5); Likely benign (4). Last evaluated 2026-01-01.

Conditions:
TRPV4-related disorder. Also called: TRPV4-related disorders; TRPV4-related condition.
Metatropic dysplasia (MTD). Also called: METATROPIC DWARFISM; Metatropic dysplasia, nonlethal dominant; Metatropic Dysplasia, TRPV4-Related. Identifiers: Orphanet 2635, MedGen C0265281, MONDO:0007986, OMIM 156530.
Neuronopathy, distal hereditary motor, autosomal dominant 8. Also called: SPINAL MUSCULAR ATROPHY, CONGENITAL BENIGN, WITH CONTRACTURES; NEURONOPATHY, DISTAL HEREDITARY MOTOR, TYPE VIII; NEUROPATHY, DISTAL HEREDITARY MOTOR, TYPE VIII; Autosomal dominant congenital benign spinal muscular atrophy. Identifiers: Orphanet 1216, MedGen C1838492, MONDO:0010839, OMIM 600175.
Inborn genetic diseases. Identifiers: MedGen C0950123, MeSH D030342.
Scapuloperoneal spinal muscular atrophy (SPSMA). Also called: Scapuloperoneal Form of Spinal Muscular Atrophy; Scapuloperoneal spinal muscular atrophy, autosomal dominant; Scapuloperoneal Spinal Muscular Atrophy, TRPV4-Related; AMYOTROPHY, NEUROGENIC SCAPULOPERONEAL, NEW ENGLAND TYPE. Identifiers: Orphanet 431255, MedGen C0751335, MONDO:0008408, OMIM 181405.
Brachyrachia (short spine dysplasia) (BCYM3). Also called: BRACHYRACHIA; Brachyolmia Type 3; Autosomal dominant brachyolmia; Brachyolmia, TRPV4-Related. Identifiers: Orphanet 93304, MedGen C0432227, MONDO:0007232, OMIM 113500.
Spondylometaphyseal dysplasia, Kozlowski type (SMDK). Also called: Spondylometaphyseal Dysplasia, TRPV4-Related (Kozlowski Type); Dysmorphism arthrogryposis skeletal maturation advanced; Jequier-Kozlowski syndrome; Skeletal dysplasia Jequier-Kozlowski type; SMD Kozlowski type. Identifiers: Orphanet 93314, MedGen C0265280, MONDO:0008477, OMIM 184252.
Charcot-Marie-Tooth disease axonal type 2C (HMSN2C). Also called: CHARCOT-MARIE-TOOTH DISEASE, AXONAL, AUTOSOMAL DOMINANT, TYPE 2C; Charcot-Marie-Tooth Neuropathy Type 2C; Charcot-Marie-Tooth Disease Type 2, TRPV4-Related (CMT2C). Identifiers: Orphanet 99937, MedGen C1853710, MONDO:0011633, OMIM 606071.

Allele frequency attached by ClinVar (database versions not stated): gnomAD exomes 0.00004 and 0.00009; gnomAD 0.00007 and 0.00008; TOPMed 0.00007; ExAC 0.00008; ESP Exome Variant Server 0.00008.

Submissions (11):

CeGaT Center for Human Genetics Tuebingen
Classification: Likely benign. Last evaluated: 2026-01-01. Review status: criteria provided, single submitter. Criteria: CeGaT Center For Human Genetics Tuebingen Variant Classification Criteria Version 2. Collection method: clinical testing. Allele origin: germline. Affected: yes. Observed: 2 variant alleles.
Comment: TRPV4: BS2

Labcorp Genetics (formerly Invitae), Labcorp
Classification: Uncertain significance for Charcot-Marie-Tooth disease axonal type 2C. Last evaluated: 2025-12-02. Review status: criteria provided, single submitter. Criteria: Invitae Variant Classification Sherloc (09022015). Collection method: clinical testing. Allele origin: germline.
Comment: This sequence change replaces valine, which is neutral and non-polar, with methionine, which is neutral and non-polar, at codon 577 of the TRPV4 protein (p.Val577Met). This variant is present in population databases (rs140535889, gnomAD 0.04%), and has an allele count higher than expected for a pathogenic variant. This variant has not been reported in the literature in individuals affected with TRPV4-related conditions. ClinVar contains an entry for this variant (Variation ID: 582636). Invitae Evidence Modeling of protein sequence and biophysical properties (such as structural, functional, and spatial information, amino acid conservation, physicochemical variation, residue mobility, and thermodynamic stability) has been performed for this missense variant. However, the output from this modeling did not meet the statistical confidence thresholds required to predict the impact of this variant on TRPV4 protein function. In summary, the available evidence is currently insufficient to determine the role of this variant in disease. Therefore, it has been classified as a Variant of Uncertain Significance.

PreventionGenetics, part of Exact Sciences
Classification: Uncertain significance for TRPV4-related condition. Last evaluated: 2025-05-27. Review status: criteria provided, single submitter. Criteria: ACMG Guidelines, 2015. Collection method: clinical testing. Allele origin: germline.
Comment: The TRPV4 c.1729G>A variant is predicted to result in the amino acid substitution p.Val577Met. To our knowledge, this variant has not been reported in the literature. This variant is reported in 0.040% of alleles in individuals of Latino descent in gnomAD. At this time, the clinical significance of this variant is uncertain due to the absence of conclusive functional and genetic evidence.

Women's Health and Genetics/Laboratory Corporation of America, LabCorp
Classification: Likely benign. Last evaluated: 2025-05-09. Review status: criteria provided, single submitter. Criteria: LabCorp Variant Classification Summary - May 2015. Collection method: clinical testing. Allele origin: germline.
Comment: Variant summary: TRPV4 c.1729G>A (p.Val577Met) results in a conservative amino acid change in the encoded protein sequence. Algorithms developed to predict the effect of missense changes on protein structure and function are either unavailable or do not agree on the potential impact of this missense change. The variant allele was found at a frequency of 9.2e-05 in 251252 control chromosomes (gnomAD). The observed variant frequency is approximately 91.5 fold of the estimated maximal expected allele frequency for a pathogenic variant in TRPV4 causing TRPV4-Related Hereditary Motor And Sensory Neuropathy phenotype (1e-06). To our knowledge, no occurrence of c.1729G>A in individuals affected with TRPV4-Related Hereditary Motor And Sensory Neuropathy and no experimental evidence demonstrating its impact on protein function have been reported. ClinVar contains an entry for this variant (Variation ID: 582636). Based on the evidence outlined above, the variant was classified as likely benign.

Ambry Genetics
Classification: Likely benign for Inborn genetic diseases. Last evaluated: 2020-03-04. Review status: criteria provided, single submitter. Criteria: Ambry Variant Classification Scheme 2023. Collection method: clinical testing. Allele origin: germline.

Illumina Laboratory Services, Illumina
Classification: Benign for Neuronopathy, distal hereditary motor, autosomal dominant 8. Last evaluated: 2018-01-13. Review status: criteria provided, single submitter. Criteria: ICSL Variant Classification Criteria 13 December 2019. Collection method: clinical testing. Allele origin: germline.
Comment: This variant was observed in the ICSL laboratory as part of a predisposition screen in an ostensibly healthy population. It had not been previously curated by ICSL or reported in the Human Gene Mutation Database (HGMD: prior to June 1st, 2018), and was therefore a candidate for classification through an automated scoring system. Utilizing variant allele frequency, disease prevalence and penetrance estimates, and inheritance mode, an automated score was calculated to assess if this variant is too frequent to cause the disease. Based on the score and internal cut-off values, a variant classified as benign is not then subjected to further curation. The score for this variant resulted in a classification of benign for this disease.

Illumina Laboratory Services, Illumina
Classification: Benign for Metatropic dysplasia. Last evaluated: 2018-01-13. Review status: criteria provided, single submitter. Criteria: ICSL Variant Classification Criteria 13 December 2019. Collection method: clinical testing. Allele origin: germline.
Comment: the same text as in the submission from Illumina Laboratory Services, Illumina above.

Illumina Laboratory Services, Illumina
Classification: Benign for Brachyrachia (short spine dysplasia). Last evaluated: 2018-01-13. Review status: criteria provided, single submitter. Criteria: ICSL Variant Classification Criteria 13 December 2019. Collection method: clinical testing. Allele origin: germline.
Comment: the same text as in the submission from Illumina Laboratory Services, Illumina above.

Illumina Laboratory Services, Illumina
Classification: Benign for Scapuloperoneal spinal muscular atrophy. Last evaluated: 2018-01-13. Review status: criteria provided, single submitter. Criteria: ICSL Variant Classification Criteria 13 December 2019. Collection method: clinical testing. Allele origin: germline.
Comment: the same text as in the submission from Illumina Laboratory Services, Illumina above.

Illumina Laboratory Services, Illumina
Classification: Likely benign for Charcot-Marie-Tooth disease axonal type 2C. Last evaluated: 2018-01-13. Review status: criteria provided, single submitter. Criteria: ICSL Variant Classification Criteria 13 December 2019. Collection method: clinical testing. Allele origin: germline.
Comment: This variant was observed in the ICSL laboratory as part of a predisposition screen in an ostensibly healthy population. It had not been previously curated by ICSL or reported in the Human Gene Mutation Database (HGMD: prior to June 1st, 2018), and was therefore a candidate for classification through an automated scoring system. Utilizing variant allele frequency, disease prevalence and penetrance estimates, and inheritance mode, an automated score was calculated to assess if this variant is too frequent to cause the disease. Based on the score and internal cut-off values, a variant classified as likely benign is not then subjected to further curation. The score for this variant resulted in a classification of likely benign for this disease.

Illumina Laboratory Services, Illumina
Classification: Benign for Spondylometaphyseal dysplasia, Kozlowski type. Last evaluated: 2018-01-13. Review status: criteria provided, single submitter. Criteria: ICSL Variant Classification Criteria 13 December 2019. Collection method: clinical testing. Allele origin: germline.
Comment: the same text as in the submission from Illumina Laboratory Services, Illumina above.